The following is an entry in ClinVar:

ClinVar aggregate classification (germline): Uncertain significance (1 of 4 stars; one submission).

Conditions:
Koolen-de Vries syndrome (KDVS). Identifiers: Orphanet 96169, MedGen C1864871, MONDO:0012496, OMIM 610443.

Submission:

Labcorp Genetics (formerly Invitae), Labcorp
Classification: Uncertain significance for Koolen-de Vries syndrome. Last evaluated: 2024-07-08. Review status: criteria provided, single submitter. Criteria: Invitae Variant Classification Sherloc (09022015). Collection method: clinical testing. Allele origin: germline.
Comment: This sequence change replaces glutamic acid, which is acidic and polar, with lysine, which is basic and polar, at codon 908 of the KANSL1 protein (p.Glu908Lys). This variant is not present in population databases (gnomAD no frequency). This variant has not been reported in the literature in individuals affected with KANSL1-related conditions. ClinVar contains an entry for this variant (Variation ID: 1492236). An algorithm developed to predict the effect of missense changes on protein structure and function (PolyPhen-2) suggests that this variant is likely to be disruptive. In summary, the available evidence is currently insufficient to determine the role of this variant in disease. Therefore, it has been classified as a Variant of Uncertain Significance.

NM_015443.4(KANSL1):c.2722G>A (p.Glu908Lys)

Gene: KANSL1 (KAT8 regulatory NSL complex subunit 1). Cytogenetic location: 17q21.31.
Variant type: single nucleotide variant.
Coding change: c.2722G>A on transcript NM_015443.4 (MANE Select); coding-DNA position 2722, G replaced by A.
Protein change: p.Glu908Lys; replaces glutamic acid 908 with lysine.
Molecular consequence: missense variant.
Genome position (GRCh38, 1-based): chr17:46,033,405, C>T on the plus strand (G>A on the coding strand, the complement: KANSL1 is on the minus strand). VCF-style: chr17-46033405-C-T. GRCh37 (hg19) VCF-style: chr17-44110771-C-T.
Other names: c.2719G>A, p.Glu907Lys (NM_001193465.2); c.2722G>A, p.Glu908Lys (NM_001193466.2, NM_001379198.1); short protein forms E908K, E907K.
Identifiers: ClinVar variation 1492236 (VCV001492236.8), dbSNP rs2146318272, ClinGen allele CA399988485.